The following is an entry in ClinVar:

NM_016011.5(MECR):c.481G>A (p.Ala161Thr)

Gene: MECR (mitochondrial trans-2-enoyl-CoA reductase; minus strand). Cytogenetic location: 1p35.3.
Variant type: single nucleotide variant.
Coding change: c.481G>A on transcript NM_016011.5 (MANE Select); coding-DNA position 481, G replaced by A.
Protein change: p.Ala161Thr; replaces alanine 161 with threonine.
Molecular consequence: missense variant. On other transcripts: non-coding transcript variant (4).
Genome position (GRCh38, 1-based): chr1:29,206,831, C>T on the plus strand (G>A on the coding strand, the complement: MECR is on the minus strand). VCF-style: chr1-29206831-C-T. GRCh37 (hg19) VCF-style: chr1-29533343-C-T.
Other names: c.253G>A, p.Ala85Thr (NM_001024732.4, NM_001349711.2, NM_001349712.2 and 2 more transcripts); c.586G>A, p.Ala196Thr (NM_001349715.2); c.565G>A, p.Ala189Thr (NM_001349716.2); c.331G>A, p.Ala111Thr (NM_001349717.2); short protein forms A111T, A189T, A161T, A196T, A85T.
Identifiers: ClinVar variation 1901593 (VCV001901593.2), dbSNP rs367673100, ClinGen allele CA20043518.

ClinVar aggregate classification (germline): Uncertain significance (1 of 4 stars; one submission).

Allele frequency attached by ClinVar (database versions not stated): gnomAD 0.00001; TOPMed 0.00002; ESP Exome Variant Server 0.00008.
gnomAD v4.1: 19 of 1,614,048 alleles (0.0012%); highest among the groups gnomAD compares: East Asian, 0.0045%; no homozygotes.

Submission:

Labcorp Genetics (formerly Invitae), Labcorp
Classification: Uncertain significance. Last evaluated: 2022-07-13. Review status: criteria provided, single submitter. Criteria: Invitae Variant Classification Sherloc (09022015). Collection method: clinical testing. Allele origin: germline.
Comment: This sequence change replaces alanine, which is neutral and non-polar, with threonine, which is neutral and polar, at codon 161 of the MECR protein (p.Ala161Thr). This variant is not present in population databases (gnomAD no frequency). This variant has not been reported in the literature in individuals affected with MECR-related conditions. Algorithms developed to predict the effect of missense changes on protein structure and function (SIFT, PolyPhen-2, Align-GVGD) all suggest that this variant is likely to be disruptive. In summary, the available evidence is currently insufficient to determine the role of this variant in disease. Therefore, it has been classified as a Variant of Uncertain Significance.